The following is an entry in ClinVar:

ClinVar aggregate classification (germline): Uncertain significance (1 of 4 stars; one submission).

Conditions:
Ullrich congenital muscular dystrophy 2 (UCMD2). Identifiers: Orphanet 75840, MedGen C4225314, MONDO:0014654, OMIM 616470.
Bethlem myopathy 2 (BTHLM2). Identifiers: Orphanet 536516, Orphanet 610, MedGen C4225313, MONDO:0034022, OMIM 616471.

Submission:

Labcorp Genetics (formerly Invitae), Labcorp
Classification: Uncertain significance for Bethlem myopathy 2; Ullrich congenital muscular dystrophy 2. Last evaluated: 2022-03-30. Review status: criteria provided, single submitter. Criteria: Invitae Variant Classification Sherloc (09022015). Collection method: clinical testing. Allele origin: germline.
Comment: In summary, the available evidence is currently insufficient to determine the role of this variant in disease. Therefore, it has been classified as a Variant of Uncertain Significance. Algorithms developed to predict the effect of missense changes on protein structure and function (SIFT, PolyPhen-2, Align-GVGD) all suggest that this variant is likely to be tolerated. This variant has not been reported in the literature in individuals affected with COL12A1-related conditions. This variant is not present in population databases (gnomAD no frequency). This sequence change replaces threonine, which is neutral and polar, with alanine, which is neutral and non-polar, at codon 1533 of the COL12A1 protein (p.Thr1533Ala).

NM_004370.6(COL12A1):c.4597A>G (p.Thr1533Ala)

Gene: COL12A1 (collagen type XII alpha 1 chain; minus strand). Cytogenetic location: 6q13.
Variant type: single nucleotide variant.
Coding change: c.4597A>G on transcript NM_004370.6 (MANE Select); coding-DNA position 4597, A replaced by G.
Protein change: p.Thr1533Ala; replaces threonine 1533 with alanine.
Molecular consequence: missense variant.
Genome position (GRCh38, 1-based): chr6:75,145,419, T>C on the plus strand (A>G on the coding strand, the complement: COL12A1 is on the minus strand). VCF-style: chr6-75145419-T-C. GRCh37 (hg19) VCF-style: chr6-75855135-T-C.
Other names: c.1105A>G, p.Thr369Ala (NM_080645.3); short protein forms T1533A, T369A.
Identifiers: ClinVar variation 2119678 (VCV002119678.4), dbSNP rs2533357195, ClinGen allele CA364743124.